The following is an entry in ClinVar:

ClinVar aggregate classification (germline): Uncertain significance. Review status: criteria provided, multiple submitters, no conflicts (2 of 4 stars). 3 submissions from 3 submitters: Uncertain significance (3). Last evaluated 2023-04-11.

Conditions:
Catecholaminergic polymorphic ventricular tachycardia 1. Also called: RYR2-Related Catecholaminergic Polymorphic Ventricular Tachycardia; VENTRICULAR TACHYCARDIA, CATECHOLAMINERGIC POLYMORPHIC, 1, WITH OR WITHOUT ATRIAL DYSFUNCTION AND/OR DILATED CARDIOMYOPATHY; VENTRICULAR TACHYCARDIA, STRESS-INDUCED POLYMORPHIC 1. Identifiers: Orphanet 3286, MedGen C1631597, MONDO:0011484, OMIM 604772.
Catecholaminergic polymorphic ventricular tachycardia 2. Also called: VENTRICULAR TACHYCARDIA, STRESS-INDUCED POLYMORPHIC 2; CASQ2-Related Catecholaminergic Polymorphic Ventricular Tachycardia. Identifiers: Orphanet 3286, MedGen C2677794, MONDO:0012762, OMIM 611938.

Allele frequency attached by ClinVar (database versions not stated): gnomAD exomes below 0.00001.
gnomAD v4.1: 2 of 1,613,040 alleles (0.00012%); highest among the groups gnomAD compares: Non-Finnish European, 0.00017%; no homozygotes.

Submissions (3):

Genome-Nilou Lab
Classification: Uncertain significance for Catecholaminergic polymorphic ventricular tachycardia 2. Last evaluated: 2023-04-11. Review status: criteria provided, single submitter. Criteria: ACMG Guidelines, 2015. Collection method: clinical testing. Allele origin: germline. Affected: no.

Labcorp Genetics (formerly Invitae), Labcorp
Classification: Uncertain significance for Catecholaminergic polymorphic ventricular tachycardia 1. Last evaluated: 2021-08-28. Review status: criteria provided, single submitter. Criteria: Invitae Variant Classification Sherloc (09022015). Collection method: clinical testing. Allele origin: germline.
Comment: This sequence change replaces valine with glycine at codon 34 of the CASQ2 protein (p.Val34Gly). The valine residue is moderately conserved and there is a moderate physicochemical difference between valine and glycine. This variant is not present in population databases (ExAC no frequency). This missense change has been observed in individual(s) with clinical features of catecholaminergic polymorphic ventricular tachycardia (Invitae). Algorithms developed to predict the effect of missense changes on protein structure and function are either unavailable or do not agree on the potential impact of this missense change (SIFT: "Deleterious"; PolyPhen-2: "Probably Damaging"; Align-GVGD: "Class C0"). In summary, the available evidence is currently insufficient to determine the role of this variant in disease. Therefore, it has been classified as a Variant of Uncertain Significance.

Women's Health and Genetics/Laboratory Corporation of America, LabCorp
Classification: Uncertain significance. Last evaluated: 2018-12-24. Review status: criteria provided, single submitter. Criteria: LabCorp Variant Classification Summary - May 2015. Collection method: clinical testing. Allele origin: germline.
Comment: Variant summary: CASQ2 c.101T>G (p.Val34Gly) results in a non-conservative amino acid change in the encoded protein sequence. Four of five in-silico tools predict a damaging effect of the variant on protein function. The variant allele was found at a frequency of 4.1e-06 in 246066 control chromosomes. The available data on variant occurrences in the general population are insufficient to allow any conclusion about variant significance. To our knowledge, no occurrence of c.101T>G in individuals affected with Arrhythmia and no experimental evidence demonstrating its impact on protein function have been reported. No clinical diagnostic laboratories have submitted clinical-significance assessments for this variant to ClinVar after 2014. Based on the evidence outlined above, the variant was classified as uncertain significance.

NM_001232.4(CASQ2):c.101T>G (p.Val34Gly)

Gene: CASQ2 (calsequestrin 2; minus strand). Cytogenetic location: 1p13.1.
Variant type: single nucleotide variant.
Coding change: c.101T>G on transcript NM_001232.4 (MANE Select); coding-DNA position 101, T replaced by G.
Protein change: p.Val34Gly; replaces valine 34 with glycine.
Molecular consequence: missense variant.
Genome position (GRCh38, 1-based): chr1:115,768,441, A>C on the plus strand (T>G on the coding strand, the complement: CASQ2 is on the minus strand). VCF-style: chr1-115768441-A-C. GRCh37 (hg19) VCF-style: chr1-116311062-A-C.
Other names: short protein forms V34G.
Identifiers: ClinVar variation 633142 (VCV000633142.10), dbSNP rs1280686043, ClinGen allele CA341767261.